The following is an entry in ClinVar:

NM_001142966.3(GREB1L):c.3176T>C (p.Ile1059Thr)

Gene: GREB1L (GREB1 like retinoic acid receptor coactivator; plus strand). Cytogenetic location: 18q11.1.
Variant type: single nucleotide variant.
Coding change: c.3176T>C on transcript NM_001142966.3 (MANE Select); coding-DNA position 3176, T replaced by C.
Protein change: p.Ile1059Thr; replaces isoleucine 1059 with threonine.
Molecular consequence: missense variant.
Genome position (GRCh38, 1-based): chr18:21,496,483, T>C. VCF-style: chr18-21496483-T-C. GRCh37 (hg19) VCF-style: chr18-19076444-T-C.
Other names: short protein forms I1059T.
Identifiers: ClinVar variation 989324 (VCV000989324.4), dbSNP rs2036549389, ClinGen allele CA401748064.
Genomic context (GRCh38, chr18:21,496,483, plus strand): 5'-ACTCACCAACAACACAATTACTTTTGTTCAGGTCTTTGAAGTACTGTGACCTCCGGTTAA[T>C]TGACTCAAGCTATTTAACTCGCACGGCCTTGGAGCAGGAGGTGGGTCTGGCATGCTGCTA-3'
Protein context (NP_001136438.1, residues 1049-1069): RSLKYCDLRL[Ile1059Thr]DSSYLTRTAL

ClinVar aggregate classification (germline): Uncertain significance (1 of 4 stars; one submission).

Conditions:
Renal hypodysplasia/aplasia 3 (RHDA3). Identifiers: MedGen C4540497, MONDO:0024520, OMIM 617805.

Submission:

Illumina Laboratory Services, Illumina
Classification: Uncertain significance for Renal hypodysplasia/aplasia 3. Last evaluated: 2019-01-04. Review status: criteria provided, single submitter. Criteria: ICSLVariantClassificationCriteria RUGD 01 April 2020. Collection method: clinical testing. Allele origin: unknown.
Comment: The GREB1L c.3176T>C (p.Ile1059Thr) variant is a missense variant. A literature search was performed for the gene, cDNA, and amino acid change. No publications were found based on this search. This variant is not found in the Genome Aggregation Database in a region of good sequence coverage so the variant is presumed to be rare. Based on the limited evidence, the p.Ile1059Thr variant is classified as a variant of uncertain significance for renal agenesis and hypodysplasia.